The following is an entry in ClinVar:

NM_152740.4(HIBADH):c.721G>T (p.Ala241Ser)

Gene: HIBADH (3-hydroxyisobutyrate dehydrogenase; minus strand). Cytogenetic location: 7p15.2.
Variant type: single nucleotide variant.
Coding change: c.721G>T on transcript NM_152740.4 (MANE Select); coding-DNA position 721, G replaced by T.
Protein change: p.Ala241Ser; replaces alanine 241 with serine.
Molecular consequence: missense variant.
Genome position (GRCh38, 1-based): chr7:27,531,323, C>A on the plus strand (G>T on the coding strand, the complement: HIBADH is on the minus strand). VCF-style: chr7-27531323-C-A. GRCh37 (hg19) VCF-style: chr7-27570942-C-A.
Other names: short protein forms A241S.
Identifiers: ClinVar variation 3035525 (VCV003035525.2), dbSNP rs140422741, ClinGen allele CA4199170.

ClinVar aggregate classification (germline): Likely benign (0 of 4 stars; one submission).

Conditions:
HIBADH-related disorder. Also called: HIBADH-related condition.

Allele frequency attached by ClinVar (database versions not stated): 1000 Genomes Project 0.00020; 1000 Genomes Project 30x 0.00031; gnomAD 0.00081; ESP Exome Variant Server 0.00085; TOPMed 0.00091; ExAC 0.00099; gnomAD exomes 0.00129.
gnomAD v4.1: 1,978 of 1,613,020 alleles (0.12%); highest among the groups gnomAD compares: Non-Finnish European, 0.16%; 3 homozygotes.

Submission:

PreventionGenetics, part of Exact Sciences
Classification: Likely benign for HIBADH-related condition. Last evaluated: 2023-02-22. Review status: no assertion criteria provided. Collection method: clinical testing. Allele origin: germline.
Comment: This variant is classified as likely benign based on ACMG/AMP sequence variant interpretation guidelines (Richards et al. 2015 PMID: 25741868, with internal and published modifications).